The following is an entry in ClinVar:

NM_024753.5(TTC21B):c.3323T>G (p.Leu1108Arg)

Gene: TTC21B (tetratricopeptide repeat domain 21B; minus strand). Cytogenetic location: 2q24.3.
Variant type: single nucleotide variant.
Coding change: c.3323T>G on transcript NM_024753.5 (MANE Select); coding-DNA position 3323, T replaced by G.
Protein change: p.Leu1108Arg; replaces leucine 1108 with arginine.
Molecular consequence: missense variant.
Genome position (GRCh38, 1-based): chr2:165,888,415, A>C on the plus strand (T>G on the coding strand, the complement: TTC21B is on the minus strand). VCF-style: chr2-165888415-A-C. GRCh37 (hg19) VCF-style: chr2-166744925-A-C.
Other names: short protein forms L1108R.
Identifiers: ClinVar variation 3355459 (VCV003355459.1).
Genomic context (GRCh38, chr2:165,888,415, plus strand): 5'-TAGTTTTCCATTATGCGAAGCTGTACGTGACCCTGAACAGTCTGAGGTTTTAGTTCCTTA[A>C]GAAGTTTTTCTGCTGTTCTTACTGCCAGTTGCACAGATTCTTGCTTCTCAGTTGAATTAC-3'
Protein context (NP_079029.3, residues 1098-1118): QLAVRTAEKL[Leu1108Arg]KELKPQTVQG

ClinVar aggregate classification (germline): Uncertain significance (0 of 4 stars; one submission).

Conditions:
TTC21B-related disorder. Also called: TTC21B-related disorders; TTC21B-related condition.

gnomAD v4.1: 28 of 1,613,964 alleles (0.0017%); highest among the groups gnomAD compares: Non-Finnish European, 0.0019%; no homozygotes.

Submission:

PreventionGenetics, part of Exact Sciences
Classification: Uncertain significance for TTC21B-related condition. Last evaluated: 2024-09-11. Review status: no assertion criteria provided. Collection method: clinical testing. Allele origin: germline.
Comment: The TTC21B c.3323T>G variant is predicted to result in the amino acid substitution p.Leu1108Arg. To our knowledge, this variant has not been reported in the literature. This variant is reported in 0.0070% of alleles in individuals of European (Non-Finnish) descent in gnomAD. At this time, the clinical significance of this variant is uncertain due to the absence of conclusive functional and genetic evidence.